The following is an entry in ClinVar:

NC_000001.10:g.(?_115231162)_(115238191_?)del

Gene: AMPD1 (adenosine monophosphate deaminase 1; minus strand). Cytogenetic location: 1p13.2.
Variant type: Deletion.
Identifiers: ClinVar variation 3247662 (VCV003247662.1).

ClinVar aggregate classification (germline): Pathogenic (1 of 4 stars; one submission).

Conditions:
Muscle AMP deaminase deficiency (MMDD). Also called: AMPD1 DEFICIENCY; ADENOSINE MONOPHOSPHATE DEAMINASE-1 DEFICIENCY, MYOPATHY DUE TO; Myoadenylate deaminase deficiency, myopathy due to; Adenosine monophosphate deaminase 1 deficiency; AMP deaminase 1 deficiency; Adenosine Monophosphate Deaminase 1. Identifiers: Orphanet 45, MedGen C3714933, MONDO:0014220, OMIM 615511.

Submission:

Labcorp Genetics (formerly Invitae), Labcorp
Classification: Pathogenic for Muscle AMP deaminase deficiency. Last evaluated: 2023-04-25. Review status: criteria provided, single submitter. Criteria: Invitae Variant Classification Sherloc (09022015). Collection method: clinical testing. Allele origin: unknown.
Comment: For these reasons, this variant has been classified as Pathogenic. This variant has not been reported in the literature in individuals affected with AMPD1-related conditions. This variant is a gross deletion of the genomic region encompassing exon(s) 1-3 of the AMPD1 gene, which includes the initiator codon. This deletion extends beyond the assayed region for this gene and therefore may encompass additional genes. It is expected to result in an absent or disrupted protein product.